The following is an entry in ClinVar:

NM_052947.4(ALPK2):c.5240A>C (p.Asn1747Thr)

Genes: ALPK2 (alpha kinase 2; minus strand), LOC130062577 (ATAC-STARR-seq lymphoblastoid active region 13389; plus strand). Cytogenetic location: 18q21.31.
Variant type: single nucleotide variant.
Coding change: c.5240A>C on transcript NM_052947.4 (MANE Select); coding-DNA position 5240, A replaced by C.
Protein change: p.Asn1747Thr; replaces asparagine 1747 with threonine.
Molecular consequence: missense variant.
Genome position (GRCh38, 1-based): chr18:58,534,947, T>G on the plus strand (A>C on the coding strand, the complement: ALPK2 is on the minus strand). VCF-style: chr18-58534947-T-G. GRCh37 (hg19) VCF-style: chr18-56202179-T-G.
Other names: short protein forms N1747T.
Identifiers: ClinVar variation 1746299 (VCV001746299.2), dbSNP rs2518873253, ClinGen allele CA402557416.

ClinVar aggregate classification (germline): Uncertain significance (1 of 4 stars; one submission).

Submission:

Ambry Genetics
Classification: Uncertain significance. Last evaluated: 2022-01-30. Review status: criteria provided, single submitter. Criteria: Ambry Variant Classification Scheme 2023. Collection method: clinical testing. Allele origin: germline.
Comment: The p.N1747T variant (also known as c.5240A>C), located in coding exon 4 of the ALPK2 gene, results from an A to C substitution at nucleotide position 5240. The asparagine at codon 1747 is replaced by threonine, an amino acid with similar properties. This amino acid position is conserved. In addition, this alteration is predicted to be tolerated by in silico analysis. Since supporting evidence is limited at this time, the clinical significance of this alteration remains unclear.